The following is an entry in ClinVar:

NM_001042492.3(NF1):c.2604dup (p.Pro869fs)

Gene: NF1 (neurofibromin 1; plus strand). Cytogenetic location: 17q11.2.
Variant type: Duplication.
Coding change: c.2604dup on transcript NM_001042492.3 (MANE Select); coding-DNA position 2604, one base duplicated (T; older notation c.2604dupT).
Protein change: p.Pro869fs; shifts the reading frame from proline 869.
Molecular consequence: frameshift variant.
Genome position (GRCh38, 1-based): chr17:31,229,219, T duplicated. VCF-style (leftmost placement, unchanged base first): chr17-31229218-G-GT. GRCh37 (hg19) VCF-style: chr17-29556236-G-GT.
Other names: c.2604dupT (NM_000267.3); c.2604dup, p.Pro869Serfs (NM_000267.4); short protein forms P869fs.
Identifiers: ClinVar variation 237538 (VCV000237538.6), dbSNP rs878853877, ClinGen allele CA10583486.

ClinVar aggregate classification (germline): Pathogenic. Review status: criteria provided, multiple submitters, no conflicts (2 of 4 stars). 2 submissions from 2 submitters: Pathogenic (2). Last evaluated 2025-07-17.

Conditions:
Cardiovascular phenotype. Identifiers: MedGen CN230736.
Hereditary cancer-predisposing syndrome. Also called: Tumor predisposition; Hereditary Cancer Syndrome; Hereditary neoplastic syndrome; Neoplastic Syndromes, Hereditary. Identifiers: Orphanet 140162, MedGen C0027672, MeSH D009386, MONDO:0015356.
Neurofibromatosis, type 1 (NF1). Also called: VON RECKLINGHAUSEN DISEASE; NEUROFIBROMATOSIS, TYPE I, SOMATIC; Peripheral type neurofibromatosis; Neurofibromatosis, type I. Identifiers: Orphanet 636, MedGen C0027831, MONDO:0018975, OMIM 162200. Disease mechanism: loss of function.

Submissions (2):

Ambry Genetics
Classification: Pathogenic for Cardiovascular phenotype; Hereditary cancer-predisposing syndrome. Last evaluated: 2025-07-17. Review status: criteria provided, single submitter. Criteria: Ambry Variant Classification Scheme 2023. Collection method: clinical testing. Allele origin: germline.
Comment: The c.2604dupT pathogenic mutation, located in coding exon 21 of the NF1 gene, results from a duplication of T at nucleotide position 2604, causing a translational frameshift with a predicted alternate stop codon (p.P869Sfs*4). This variant was reported in individual(s) with features consistent with neurofibromatosis type 1 (NF1) (Ambry internal data). This alteration is expected to result in loss of function by premature protein truncation or nonsense-mediated mRNA decay. As such, this alteration is interpreted as a disease-causing mutation.

Labcorp Genetics (formerly Invitae), Labcorp
Classification: Pathogenic for Neurofibromatosis, type 1. Last evaluated: 2023-02-22. Review status: criteria provided, single submitter. Criteria: Invitae Variant Classification Sherloc (09022015). Collection method: clinical testing. Allele origin: germline.
Comment: This variant has not been reported in the literature in individuals affected with NF1-related conditions. This variant is not present in population databases (gnomAD no frequency). This sequence change creates a premature translational stop signal (p.Pro869Serfs*4) in the NF1 gene. It is expected to result in an absent or disrupted protein product. Loss-of-function variants in NF1 are known to be pathogenic (PMID: 10712197, 23913538). ClinVar contains an entry for this variant (Variation ID: 237538). For these reasons, this variant has been classified as Pathogenic.

Literature cited by the submitters: PubMed 10712197 (cited by Labcorp Genetics (formerly Invitae), Labcorp); PubMed 23913538 (cited by Labcorp Genetics (formerly Invitae), Labcorp).